The following is an entry in ClinVar:

ClinVar aggregate classification (germline): Conflicting classifications of pathogenicity. Review status: criteria provided, conflicting classifications (1 of 4 stars). 3 submissions from 3 submitters: Uncertain significance (1); Likely benign (1). 1 of the submissions does not count toward it. Last evaluated 2025-03-03.

Conditions:
BMPR2-related disorder. Also called: BMPR2-related disorders; BMPR2-related condition.
Inborn genetic diseases. Identifiers: MedGen C0950123, MeSH D030342.
Primary pulmonary hypertension. Also called: Idiopathic pulmonary hypertension. Identifiers: MedGen C0152171.

Allele frequency attached by ClinVar (database versions not stated): gnomAD 0.00003; gnomAD exomes 0.00006 and 0.00033; TOPMed 0.00013; 1000 Genomes Project 0.00020; ExAC 0.00026; 1000 Genomes Project 30x 0.00031.
gnomAD v4.1: 93 of 1,614,102 alleles (0.0058%); highest among the groups gnomAD compares: Admixed American, 0.15%; no homozygotes.

Submissions (3):

Labcorp Genetics (formerly Invitae), Labcorp
Classification: Likely benign for Primary pulmonary hypertension. Last evaluated: 2025-03-03. Review status: criteria provided, single submitter. Criteria: Invitae Variant Classification Sherloc (09022015). Collection method: clinical testing. Allele origin: germline.

Ambry Genetics
Classification: Uncertain significance for Inborn genetic diseases. Last evaluated: 2024-11-22. Review status: criteria provided, single submitter. Criteria: Ambry Variant Classification Scheme 2023. Collection method: clinical testing. Allele origin: germline.
Comment: The p.I77T variant (also known as c.230T>C), located in coding exon 2 of the BMPR2 gene, results from a T to C substitution at nucleotide position 230. The isoleucine at codon 77 is replaced by threonine, an amino acid with similar properties. This amino acid position is conserved. In addition, this alteration is predicted to be deleterious by in silico analysis. Based on the available evidence, the clinical significance of this variant remains unclear.

PreventionGenetics, part of Exact Sciences
Classification: Likely benign for BMPR2-related condition. Last evaluated: 2019-08-20. Review status: no assertion criteria provided. Collection method: clinical testing. Allele origin: germline. Not counted in ClinVar's aggregate classification.
Comment: This variant is classified as likely benign based on ACMG/AMP sequence variant interpretation guidelines (Richards et al. 2015 PMID: 25741868, with internal and published modifications).

NM_001204.7(BMPR2):c.230T>C (p.Ile77Thr)

Gene: BMPR2 (bone morphogenetic protein receptor type 2; plus strand). Cytogenetic location: 2q33.1.
Variant type: single nucleotide variant.
Coding change: c.230T>C on transcript NM_001204.7 (MANE Select); coding-DNA position 230, T replaced by C.
Protein change: p.Ile77Thr; replaces isoleucine 77 with threonine.
Molecular consequence: missense variant.
Genome position (GRCh38, 1-based): chr2:202,464,962, T>C. VCF-style: chr2-202464962-T-C. GRCh37 (hg19) VCF-style: chr2-203329685-T-C.
Other names: short protein forms I77T.
Identifiers: ClinVar variation 697557 (VCV000697557.14), dbSNP rs144389360, ClinGen allele CA2061055.
Genomic context (GRCh38, chr2:202,464,962, plus strand): 5'-CAATATTATGCTCGAAAGGTAGCACCTGCTATGGCCTTTGGGAGAAATCAAAAGGGGACA[T>C]AAATCTTGTAAAACAAGGCAAGTGATACTTTCCTTACCTGAAATGACTGTGTTTTATACA-3'
Protein context (NP_001195.2, residues 67-87): YGLWEKSKGD[Ile77Thr]NLVKQGCWSH